The following is an entry in ClinVar:

NM_015158.5(KANK1):c.3989_3992dup (p.Pro1332fs)

Gene: KANK1 (KN motif and ankyrin repeat domains 1; plus strand). Cytogenetic location: 9p24.3.
Variant type: Duplication.
Coding change: c.3989_3992dup on transcript NM_015158.5 (MANE Select); coding-DNA positions 3989 to 3992, 4 bases duplicated (AGTC; older notation c.3989_3992dupAGTC).
Protein change: p.Pro1332fs; shifts the reading frame from proline 1332.
Molecular consequence: frameshift variant. On other transcripts: non-coding transcript variant (1).
Genome position (GRCh38, 1-based): chr9:744,582-744,585, AGTC duplicated; duplicating any 4 consecutive bases within chr9:744,581-744,585 gives the same sequence; the c. name uses the placement nearest the transcript's 3' end. VCF-style (leftmost placement, unchanged base first): chr9-744580-C-CCAGT. GRCh37 (hg19) VCF-style: chr9-744580-C-CCAGT.
Other names: c.3989_3992dup, p.Pro1332fs (NM_001256876.3, NM_001256877.3, NM_001354334.2 and 1 more transcripts); c.3749_3752dup, p.Pro1252fs (NM_001354331.2); c.3935_3938dup, p.Pro1314fs (NM_001354332.2); c.3515_3518dup, p.Pro1174fs (NM_001354333.2, NM_001354335.2, NM_001354337.2 and 2 more transcripts); c.3221_3224dup, p.Pro1076fs (NM_001354336.2, NM_001438411.1); c.3461_3464dup, p.Pro1156fs (NM_001354338.2, NM_001354340.2, NM_001354344.2); c.3275_3278dup, p.Pro1094fs (NM_001354339.2, NM_001354342.2, NM_001354343.2); short protein forms P1076fs, P1094fs, P1156fs, P1174fs, P1252fs, P1314fs, P1332fs.
Identifiers: ClinVar variation 4808489 (VCV004808489.1).

ClinVar aggregate classification (germline): Uncertain significance (1 of 4 stars; one submission).

Submission:

Labcorp Genetics (formerly Invitae), Labcorp
Classification: Uncertain significance. Last evaluated: 2026-01-23. Review status: criteria provided, single submitter. Criteria: Invitae Variant Classification Sherloc (09022015). Collection method: clinical testing. Allele origin: germline.
Comment: This sequence change creates a premature translational stop signal (p.Pro1332Valfs*6) in the KANK1 gene. While this is not anticipated to result in nonsense mediated decay, it is expected to disrupt the last 21 amino acid(s) of the KANK1 protein. This variant is not present in population databases (gnomAD no frequency). This variant has not been reported in the literature in individuals affected with KANK1-related conditions. Experimental studies and prediction algorithms are not available or were not evaluated, and the functional significance of this variant is currently unknown. In summary, the available evidence is currently insufficient to determine the role of this variant in disease. Therefore, it has been classified as a Variant of Uncertain Significance.